The following is an entry in ClinVar:

ClinVar aggregate classification (germline): Uncertain significance. Review status: criteria provided, multiple submitters, no conflicts (2 of 4 stars). 2 submissions from 2 submitters: Uncertain significance (2). Last evaluated 2024-11-15.

Submissions (2):

Labcorp Genetics (formerly Invitae), Labcorp
Classification: Uncertain significance. Last evaluated: 2024-11-15. Review status: criteria provided, single submitter. Criteria: Invitae Variant Classification Sherloc (09022015). Collection method: clinical testing. Allele origin: germline.
Comment: This sequence change replaces valine, which is neutral and non-polar, with alanine, which is neutral and non-polar, at codon 2141 of the SZT2 protein (p.Val2141Ala). This variant is not present in population databases (gnomAD no frequency). This variant has not been reported in the literature in individuals affected with SZT2-related conditions. ClinVar contains an entry for this variant (Variation ID: 1304979). Invitae Evidence Modeling of protein sequence and biophysical properties (such as structural, functional, and spatial information, amino acid conservation, physicochemical variation, residue mobility, and thermodynamic stability) indicates that this missense variant is not expected to disrupt SZT2 protein function with a negative predictive value of 80%. In summary, the available evidence is currently insufficient to determine the role of this variant in disease. Therefore, it has been classified as a Variant of Uncertain Significance.

GeneDx
Classification: Uncertain significance. Last evaluated: 2019-04-19. Review status: criteria provided, single submitter. Criteria: GeneDx Variant Classification Process June 2021. Collection method: clinical testing. Allele origin: germline. Affected: yes.
Comment: Not observed in large population cohorts (Lek et al., 2016); In silico analysis, which includes protein predictors and evolutionary conservation, supports that this variant does not alter protein structure/function; Has not been previously published as pathogenic or benign to our knowledge

NM_001365999.1(SZT2):c.6593T>C (p.Val2198Ala)

Gene: SZT2 (SZT2 subunit of KICSTOR complex; plus strand). Cytogenetic location: 1p34.2.
Variant type: single nucleotide variant.
Coding change: c.6593T>C on transcript NM_001365999.1 (MANE Select); coding-DNA position 6593, T replaced by C.
Protein change: p.Val2198Ala; replaces valine 2198 with alanine.
Molecular consequence: missense variant.
Genome position (GRCh38, 1-based): chr1:43,438,783, T>C. VCF-style: chr1-43438783-T-C. GRCh37 (hg19) VCF-style: chr1-43904454-T-C.
Other names: c.6422T>C, p.Val2141Ala (NM_015284.4); short protein forms V2141A, V2198A.
Identifiers: ClinVar variation 1304979 (VCV001304979.4), dbSNP rs2153935273, ClinGen allele CA340031125.